The following is an entry in ClinVar:

NM_198506.5(LRIT3):c.161A>G (p.Asn54Ser)

Gene: LRIT3 (leucine rich repeat, Ig-like and transmembrane domains 3; plus strand). Cytogenetic location: 4q25.
Variant type: single nucleotide variant.
Coding change: c.161A>G on transcript NM_198506.5 (MANE Select); coding-DNA position 161, A replaced by G.
Protein change: p.Asn54Ser; replaces asparagine 54 with serine.
Molecular consequence: missense variant.
Genome position (GRCh38, 1-based): chr4:109,851,548, A>G. VCF-style: chr4-109851548-A-G. GRCh37 (hg19) VCF-style: chr4-110772704-A-G.
Other names: short protein forms N54S.
Identifiers: ClinVar variation 1366523 (VCV001366523.3), dbSNP rs746690023, ClinGen allele CA3042971.

ClinVar aggregate classification (germline): Uncertain significance (1 of 4 stars; one submission).

Allele frequency attached by ClinVar (database versions not stated): gnomAD exomes 0.00001; ExAC 0.00005.
gnomAD v4.1: 16 of 1,550,522 alleles (0.001%); highest among the groups gnomAD compares: Non-Finnish European, 0.0014%; no homozygotes.

Submission:

Labcorp Genetics (formerly Invitae), Labcorp
Classification: Uncertain significance. Last evaluated: 2022-10-13. Review status: criteria provided, single submitter. Criteria: Invitae Variant Classification Sherloc (09022015). Collection method: clinical testing. Allele origin: germline.
Comment: This sequence change replaces asparagine, which is neutral and polar, with serine, which is neutral and polar, at codon 54 of the LRIT3 protein (p.Asn54Ser). This variant is present in population databases (rs746690023, gnomAD 0.002%). This variant has not been reported in the literature in individuals affected with LRIT3-related conditions. ClinVar contains an entry for this variant (Variation ID: 1366523). Algorithms developed to predict the effect of missense changes on protein structure and function are either unavailable or do not agree on the potential impact of this missense change (SIFT: "Deleterious"; PolyPhen-2: "Possibly Damaging"; Align-GVGD: "Class C0"). In summary, the available evidence is currently insufficient to determine the role of this variant in disease. Therefore, it has been classified as a Variant of Uncertain Significance.